The following is an entry in ClinVar:

NM_002691.4(POLD1):c.1225C>G (p.Arg409Gly)

Gene: POLD1 (DNA polymerase delta 1, catalytic subunit; plus strand). Cytogenetic location: 19q13.33.
Variant type: single nucleotide variant.
Coding change: c.1225C>G on transcript NM_002691.4 (MANE Select); coding-DNA position 1225, C replaced by G.
Protein change: p.Arg409Gly; replaces arginine 409 with glycine.
Molecular consequence: missense variant. On other transcripts: non-coding transcript variant (1).
Genome position (GRCh38, 1-based): chr19:50,403,580, C>G. VCF-style: chr19-50403580-C-G. GRCh37 (hg19) VCF-style: chr19-50906837-C-G.
Other names: c.1225C>G, p.Arg409Gly (NM_001256849.1, NM_001308632.1); short protein forms R409G.
Identifiers: ClinVar variation 662791 (VCV000662791.15), dbSNP rs778135510, ClinGen allele CA406978617.

ClinVar aggregate classification (germline): Uncertain significance. Review status: criteria provided, multiple submitters, no conflicts (2 of 4 stars). 3 submissions from 3 submitters: Uncertain significance (3). Last evaluated 2025-12-28.

Conditions:
POLD1-related polyposis and colorectal cancer syndrome (CRCS10). Also called: Colorectal cancer, susceptibility to, 10; Colorectal cancer 10; COLORECTAL CANCER, SUSCEPTIBILITY TO, ON CHROMOSOME 19q. Identifiers: Orphanet 220460, MedGen C2675481, MONDO:0012953, OMIM 612591.
Hereditary cancer-predisposing syndrome. Also called: Hereditary neoplastic syndrome; Tumor predisposition; Hereditary Cancer Syndrome; Neoplastic Syndromes, Hereditary. Identifiers: Orphanet 140162, MedGen C0027672, MeSH D009386, MONDO:0015356.

gnomAD v4.1: 1 of 1,611,928 alleles (0.000062%); highest among the groups gnomAD compares: Non-Finnish European, 0.000085%; no homozygotes.

Submissions (3):

Labcorp Genetics (formerly Invitae), Labcorp
Classification: Uncertain significance for POLD1-related polyposis and colorectal cancer syndrome. Last evaluated: 2025-12-28. Review status: criteria provided, single submitter. Criteria: Invitae Variant Classification Sherloc (09022015). Collection method: clinical testing. Allele origin: germline.
Comment: This sequence change replaces arginine, which is basic and polar, with glycine, which is neutral and non-polar, at codon 409 of the POLD1 protein (p.Arg409Gly). This variant is not present in population databases (gnomAD no frequency). This variant has not been reported in the literature in individuals affected with POLD1-related conditions. ClinVar contains an entry for this variant (Variation ID: 662791). Invitae Evidence Modeling of protein sequence and biophysical properties (such as structural, functional, and spatial information, amino acid conservation, physicochemical variation, residue mobility, and thermodynamic stability) indicates that this missense variant is expected to disrupt POLD1 protein function with a positive predictive value of 80%. In summary, the available evidence is currently insufficient to determine the role of this variant in disease. Therefore, it has been classified as a Variant of Uncertain Significance.

Ambry Genetics
Classification: Uncertain significance for Hereditary cancer-predisposing syndrome. Last evaluated: 2025-08-24. Review status: criteria provided, single submitter. Criteria: Ambry Variant Classification Scheme 2023. Collection method: clinical testing. Allele origin: germline.
Comment: The p.R409G variant (also known as c.1225C>G), located in coding exon 9 of the POLD1 gene, results from a C to G substitution at nucleotide position 1225. The arginine at codon 409 is replaced by glycine, an amino acid with dissimilar properties. This amino acid position is highly conserved in available vertebrate species. In addition, this alteration is predicted to be deleterious by in silico analysis. Since supporting evidence is limited at this time, the clinical significance of this alteration remains unclear.

Baylor Genetics
Classification: Uncertain significance for POLD1-related polyposis and colorectal cancer syndrome. Last evaluated: 2023-08-30. Review status: criteria provided, single submitter. Criteria: ACMG Guidelines, 2015. Collection method: clinical testing. Allele origin: unknown.